The following is an entry in ClinVar:

NM_001330691.3(CEP78):c.794A>G (p.Gln265Arg)

Gene: CEP78 (centrosomal protein 78; plus strand). Cytogenetic location: 9q21.2.
Variant type: single nucleotide variant.
Coding change: c.794A>G on transcript NM_001330691.3 (MANE Select); coding-DNA position 794, A replaced by G.
Protein change: p.Gln265Arg; replaces glutamine 265 with arginine.
Molecular consequence: missense variant.
Genome position (GRCh38, 1-based): chr9:78,246,684, A>G. VCF-style: chr9-78246684-A-G. GRCh37 (hg19) VCF-style: chr9-80861600-A-G.
Other names: c.794A>G, p.Gln265Arg (NM_001098802.3, NM_001330693.3, NM_001330694.2 and 4 more transcripts); short protein forms Q265R.
Identifiers: ClinVar variation 1415960 (VCV001415960.8), dbSNP rs1826499416, ClinGen allele CA373855591.
Genomic context (GRCh38, chr9:78,246,684, plus strand): 5'-AATCTGTATAGAATTAGCAAGTGACCCTTTGTCTTTCATCGAAAGCTCTTGACCTGCAAC[A>G]GTGCGGCCTCACCAATGAAGGAGCAAAGGCTTTGCTAGAGGCCCTTGAAACCAATACAAC-3'
Protein context (NP_001317620.1, residues 255-275): DLWLRALDLQ[Gln265Arg]CGLTNEGAKA

ClinVar aggregate classification (germline): Uncertain significance (1 of 4 stars; one submission).

Allele frequency attached by ClinVar (database versions not stated): gnomAD exomes 0.00001; TOPMed 0.00001.
gnomAD v4.1: 11 of 1,604,286 alleles (0.00069%); highest among the groups gnomAD compares: South Asian, 0.0011%; no homozygotes.

Submission:

Labcorp Genetics (formerly Invitae), Labcorp
Classification: Uncertain significance. Last evaluated: 2021-05-05. Review status: criteria provided, single submitter. Criteria: Invitae Variant Classification Sherloc (09022015). Collection method: clinical testing. Allele origin: germline.
Comment: In summary, the available evidence is currently insufficient to determine the role of this variant in disease. Therefore, it has been classified as a Variant of Uncertain Significance. Algorithms developed to predict the effect of sequence changes on RNA splicing suggest that this variant may create or strengthen a splice site, but this prediction has not been confirmed by published transcriptional studies. Algorithms developed to predict the effect of missense changes on protein structure and function are either unavailable or do not agree on the potential impact of this missense change (SIFT: "Tolerated"; PolyPhen-2: "Probably Damaging"; Align-GVGD: "Class C0"). This variant has not been reported in the literature in individuals with CEP78-related conditions. This variant is not present in population databases (ExAC no frequency). This sequence change replaces glutamine with arginine at codon 265 of the CEP78 protein (p.Gln265Arg). The glutamine residue is moderately conserved and there is a small physicochemical difference between glutamine and arginine.